The following is an entry in ClinVar:

ClinVar aggregate classification (germline): Pathogenic (1 of 4 stars; one submission).

Conditions:
VWF-related disorder. Also called: VWF-related condition; VWF-related disorders.

Submission:

PreventionGenetics, part of Exact Sciences
Classification: Pathogenic for VWF-related condition. Last evaluated: 2022-12-17. Review status: criteria provided, single submitter. Criteria: ACMG Guidelines, 2015. Collection method: clinical testing. Allele origin: germline.
Comment: The VWF c.4176delG variant is predicted to result in a frameshift and premature protein termination (p.Met1393Cysfs*12). This variant has been reported in the homozygous state in an individual with Von Willebrand disease type 3 (Ahmed et al. 2019. PubMed ID: 31532876). This variant is reported in 0.0033% of alleles in individuals of South Asian descent in gnomAD. Frameshift variants in VWF are expected to be pathogenic. This variant is interpreted as pathogenic.

NM_000552.5(VWF):c.4176del (p.Met1393fs)

Gene: VWF (von Willebrand factor; minus strand). Cytogenetic location: 12p13.31.
Variant type: Deletion.
Coding change: c.4176del on transcript NM_000552.5 (MANE Select); coding-DNA position 4176, one base deleted (G; older notation c.4176delG).
Protein change: p.Met1393fs; shifts the reading frame from methionine 1393.
Molecular consequence: frameshift variant.
Genome position (GRCh38, 1-based): chr12:6,019,242, C deleted on the plus strand (G on the coding strand, the reverse complement: VWF is on the minus strand); the first of 2 consecutive C bases (chr12:6,019,242-6,019,243); deleting either gives the same sequence. VCF-style (leftmost placement, unchanged base first): chr12-6019241-TC-T. GRCh37 (hg19) VCF-style: chr12-6128407-TC-T.
Other names: short protein forms M1393fs.
Identifiers: ClinVar variation 2629943 (VCV002629943.1), dbSNP rs1565832049, ClinGen allele CA603482932.